The following is an entry in ClinVar:

NM_000215.4(JAK3):c.1567T>G (p.Trp523Gly)

Gene: JAK3 (Janus kinase 3; minus strand). Cytogenetic location: 19p13.11.
Variant type: single nucleotide variant.
Coding change: c.1567T>G on transcript NM_000215.4 (MANE Select); coding-DNA position 1567, T replaced by G.
Protein change: p.Trp523Gly; replaces tryptophan 523 with glycine.
Molecular consequence: missense variant.
Genome position (GRCh38, 1-based): chr19:17,838,265, A>C on the plus strand (T>G on the coding strand, the complement: JAK3 is on the minus strand). VCF-style: chr19-17838265-A-C. GRCh37 (hg19) VCF-style: chr19-17949074-A-C.
Other names: short protein forms W523G.
Identifiers: ClinVar variation 1435504 (VCV001435504.5), dbSNP rs199635089, ClinGen allele CA306133118.

ClinVar aggregate classification (germline): Uncertain significance (1 of 4 stars; one submission).

Conditions:
T-B+ severe combined immunodeficiency due to JAK3 deficiency. Also called: SCID, autosomal recessive, T-negative/B-positive type; SCID, T CELL-NEGATIVE, B CELL-POSITIVE, NK CELL-NEGATIVE. Identifiers: Orphanet 35078, MedGen C1833275, MONDO:0010938, OMIM 600802.

Allele frequency attached by ClinVar (database versions not stated): gnomAD exomes below 0.00001 and 0.00002; TOPMed 0.00001; gnomAD 0.00003.
gnomAD v4.1: 31 of 1,613,732 alleles (0.0019%); highest among the groups gnomAD compares: Non-Finnish European, 0.002%; no homozygotes.

Submission:

Labcorp Genetics (formerly Invitae), Labcorp
Classification: Uncertain significance for T-B+ severe combined immunodeficiency due to JAK3 deficiency. Last evaluated: 2021-08-28. Review status: criteria provided, single submitter. Criteria: Invitae Variant Classification Sherloc (09022015). Collection method: clinical testing. Allele origin: germline.
Comment: This sequence change replaces tryptophan with glycine at codon 523 of the JAK3 protein (p.Trp523Gly). The tryptophan residue is highly conserved and there is a large physicochemical difference between tryptophan and glycine. This variant is not present in population databases (ExAC no frequency). This variant has not been reported in the literature in individuals affected with JAK3-related conditions. Algorithms developed to predict the effect of missense changes on protein structure and function (SIFT, PolyPhen-2, Align-GVGD) all suggest that this variant is likely to be disruptive. In summary, the available evidence is currently insufficient to determine the role of this variant in disease. Therefore, it has been classified as a Variant of Uncertain Significance.